The following is an entry in ClinVar:

ClinVar aggregate classification (germline): Uncertain significance (1 of 4 stars; one submission).

Conditions:
Cardiovascular phenotype. Identifiers: MedGen CN230736.
Hereditary cancer-predisposing syndrome. Also called: Neoplastic Syndromes, Hereditary; Tumor predisposition; Hereditary neoplastic syndrome; Hereditary Cancer Syndrome. Identifiers: Orphanet 140162, MedGen C0027672, MeSH D009386, MONDO:0015356.

Submission:

Ambry Genetics
Classification: Uncertain significance for Cardiovascular phenotype; Hereditary cancer-predisposing syndrome. Last evaluated: 2026-08-04. Review status: criteria provided, single submitter. Criteria: Ambry Variant Classification Scheme 2023. Collection method: clinical testing. Allele origin: germline.
Comment: The c.655-5T>G intronic variant results from a T to G substitution 5 nucleotides upstream from coding exon 7 in the NF1 gene. This nucleotide position is not well conserved in available vertebrate species. In silico splice site analysis for this alteration is inconclusive. Based on the available evidence, the clinical significance of this variant remains unclear.

NM_001042492.3(NF1):c.655-5T>G

Gene: NF1 (neurofibromin 1; plus strand). Cytogenetic location: 17q11.2.
Variant type: single nucleotide variant.
Coding change: c.655-5T>G on transcript NM_001042492.3 (MANE Select); 5 bases into the intron before coding-DNA position 655, T replaced by G.
Molecular consequence: intron variant.
Genome position (GRCh38, 1-based): chr17:31,181,705, T>G. VCF-style: chr17-31181705-T-G. GRCh37 (hg19) VCF-style: chr17-29508723-T-G.
Other names: c.655-5T>G (NM_000267.4, NM_001128147.3).
Identifiers: ClinVar variation 5025609 (VCV005025609.1).